The following is an entry in ClinVar:

NM_130468.4(CHST14):c.371G>A (p.Arg124Gln)

Gene: CHST14 (carbohydrate sulfotransferase 14; plus strand). Cytogenetic location: 15q15.1.
Variant type: single nucleotide variant.
Coding change: c.371G>A on transcript NM_130468.4 (MANE Select); coding-DNA position 371, G replaced by A.
Protein change: p.Arg124Gln; replaces arginine 124 with glutamine.
Molecular consequence: missense variant.
Genome position (GRCh38, 1-based): chr15:40,471,584, G>A. VCF-style: chr15-40471584-G-A. GRCh37 (hg19) VCF-style: chr15-40763783-G-A.
Other names: short protein forms R124Q.
Identifiers: ClinVar variation 2566471 (VCV002566471.2), dbSNP rs1566969138, ClinGen allele CA391765304.
Genomic context (GRCh38, chr15:40,471,584, plus strand): 5'-TGCGGCAGGACGTCCGGAACAGGACCCTGCGGGCGGTGTGCGGACAGCCAGGCATGCCCC[G>A]GGACCCCTGGGACTTGCCGGTGGGGCAGCGGCGCACCCTGCTGCGCCACATCCTCGTAAG-3'
Protein context (NP_569735.1, residues 114-134): RAVCGQPGMP[Arg124Gln]DPWDLPVGQR

ClinVar aggregate classification (germline): Uncertain significance (1 of 4 stars; one submission).

Conditions:
Cardiovascular phenotype. Identifiers: MedGen CN230736.

Allele frequency attached by ClinVar (database versions not stated): gnomAD exomes 0.00001.
gnomAD v4.1: 7 of 1,611,044 alleles (0.00043%); highest among the groups gnomAD compares: Non-Finnish European, 0.00059%; no homozygotes.

Submission:

Ambry Genetics
Classification: Uncertain significance for Cardiovascular phenotype. Last evaluated: 2023-03-29. Review status: criteria provided, single submitter. Criteria: Ambry Variant Classification Scheme 2023. Collection method: clinical testing. Allele origin: germline.
Comment: The p.R124Q variant (also known as c.371G>A), located in coding exon 1 of the CHST14 gene, results from a G to A substitution at nucleotide position 371. The arginine at codon 124 is replaced by glutamine, an amino acid with highly similar properties. This amino acid position is not well conserved in available vertebrate species. In addition, this alteration is predicted to be tolerated by in silico analysis. Since supporting evidence is limited at this time, the clinical significance of this alteration remains unclear.